The following is an entry in ClinVar:

ClinVar aggregate classification (germline): Benign. Review status: criteria provided, single submitter (1 of 4 stars). 2 submissions from 1 submitter: Benign (2). Last evaluated 2018-01-13.

Conditions:
Orofacial cleft 6, susceptibility to (OFC6). Also called: CLEFT LIP WITH OR WITHOUT CLEFT PALATE, NONSYNDROMIC, 6. Identifiers: MedGen C1837213, MONDO:0012141, OMIM 608864.
Van der Woude syndrome 1. Also called: CLEFT LIP AND/OR PALATE WITH MUCOUS CYSTS OF LOWER LIP; van der Woude Syndrome (VWS). Identifiers: MedGen C4551864, MONDO:0007333, OMIM 119300.

Allele frequency attached by ClinVar (database versions not stated): 1000 Genomes Project 30x 0.00187; gnomAD 0.00199 and 0.00213; 1000 Genomes Project 0.00200; TOPMed 0.00202.

Submissions (2):

Illumina Laboratory Services, Illumina
Classification: Benign for Orofacial cleft 6, susceptibility to. Last evaluated: 2018-01-13. Review status: criteria provided, single submitter. Criteria: ICSL Variant Classification Criteria 13 December 2019. Collection method: clinical testing. Allele origin: germline.
Comment: This variant was observed in the ICSL laboratory as part of a predisposition screen in an ostensibly healthy population. It had not been previously curated by ICSL or reported in the Human Gene Mutation Database (HGMD: prior to June 1st, 2018), and was therefore a candidate for classification through an automated scoring system. Utilizing variant allele frequency, disease prevalence and penetrance estimates, and inheritance mode, an automated score was calculated to assess if this variant is too frequent to cause the disease. Based on the score and internal cut-off values, a variant classified as benign is not then subjected to further curation. The score for this variant resulted in a classification of benign for this disease.

Illumina Laboratory Services, Illumina
Classification: Benign for Van der Woude syndrome 1. Last evaluated: 2018-01-13. Review status: criteria provided, single submitter. Criteria: ICSL Variant Classification Criteria 13 December 2019. Collection method: clinical testing. Allele origin: germline.
Comment: the same text as in the submission from Illumina Laboratory Services, Illumina above.

NM_006147.4(IRF6):c.*2472G>A

Gene: IRF6 (interferon regulatory factor 6; minus strand). Cytogenetic location: 1q32.2.
Variant type: single nucleotide variant.
Coding change: c.*2472G>A on transcript NM_006147.4 (MANE Select); 2472 bases downstream of the stop codon, G replaced by A.
Molecular consequence: 3 prime UTR variant.
Genome position (GRCh38, 1-based): chr1:209,785,948, C>T on the plus strand (G>A on the coding strand, the complement: IRF6 is on the minus strand). VCF-style: chr1-209785948-C-T. GRCh37 (hg19) VCF-style: chr1-209959293-C-T.
Other names: c.*2472G>A (NM_001206696.2).
Identifiers: ClinVar variation 295170 (VCV000295170.5), dbSNP rs188593210, ClinGen allele CA10608892.
Genomic context (GRCh38, chr1:209,785,948, plus strand): 5'-ATACAACCAGGGACCTAATTTTATGGGAAAGGGACCAGCCCAGATCCAACACTTGCTCTC[C>T]CAGTTTACCTCCAGTAGGTTCTTTTTAACTTGAACTAATCTTGTTTGGTGGGGTACACAG-3'